The following is an entry in ClinVar:

NM_000969.5(RPL5):c.706-1G>T

Genes: DIPK1A (divergent protein kinase domain 1A; minus strand), RPL5 (ribosomal protein L5; plus strand). Cytogenetic location: 1p22.1.
Variant type: single nucleotide variant.
Coding change: c.706-1G>T on transcript NM_000969.5 (MANE Select); the canonical splice acceptor site of the intron before coding-DNA position 706, G replaced by T.
Molecular consequence: splice acceptor variant. On other transcripts: intron variant (1).
Genome position (GRCh38, 1-based): chr1:92,840,550, G>T. VCF-style: chr1-92840550-G-T. GRCh37 (hg19) VCF-style: chr1-93306107-G-T.
Other names: NC_000001.10:g.93306107G>T; c.474+6633C>A (NM_001252273.2).
Identifiers: ClinVar variation 4291134 (VCV004291134.2).
Genomic context (GRCh38, chr1:92,840,550, plus strand): 5'-GCATTAATATAGTAGGGCACATGAAATGAAACCAAGTACTGTTTGCTTTCCTTTGTTTCA[G>T]ATGGAGGAGATGTATAAGAAAGCTCATGCTGCTATACGAGAGAATCCAGTCTATGAAAAG-3'

ClinVar aggregate classification (germline): Uncertain significance (1 of 4 stars; one submission).

Conditions:
Diamond-Blackfan anemia 6 (DBA6). Also called: RPL5-Related Diamond-Blackfan Anemia. Identifiers: Orphanet 124, MedGen C2931850, MONDO:0012937, OMIM 612561.

Submissions (2):

Institute of Human Genetics, University of Leipzig Medical Center
Classification: Uncertain significance for Diamond-Blackfan anemia 6. Last evaluated: 2025-09-30. Review status: criteria provided, single submitter. Criteria: ACMG Guidelines, 2015. Collection method: clinical testing. Allele origin: unknown. Inheritance: Autosomal dominant inheritance. Affected: yes.
Comment: Criteria applied: PVS1_MOD,PM2

Dr. Peter K. Rogan Lab, Western University
No classification provided (evidence only). Condition: Lung cancer. Review status: no classification provided. Collection method: in vitro. Allele origin: not applicable. Functional consequence: cryptic splice site. Not counted in ClinVar's aggregate classification.